The following is an entry in ClinVar:

ClinVar aggregate classification (germline): Conflicting classifications of pathogenicity. Review status: criteria provided, conflicting classifications (1 of 4 stars). 10 submissions from 10 submitters: Uncertain significance (1); Benign (2); Likely benign (6). 1 of the submissions does not count toward it. Last evaluated 2025-10-12.

Conditions:
Hereditary nonpolyposis colorectal neoplasms. Identifiers: MedGen C0009405, MeSH D003123.
Hereditary cancer-predisposing syndrome. Also called: Hereditary neoplastic syndrome; Neoplastic Syndromes, Hereditary; Tumor predisposition; Hereditary Cancer Syndrome. Identifiers: Orphanet 140162, MedGen C0027672, MeSH D009386, MONDO:0015356.
Lynch syndrome. Identifiers: Orphanet 144, MedGen C4552100, MONDO:0005835. Disease mechanism: loss of function.
MSH6-related disorder. Also called: MSH6-related condition; MSH6-Related disorders.
Lynch syndrome 5 (LYNCH5). Also called: Colorectal cancer, hereditary nonpolyposis, type 5; Hereditary non-polyposis colorectal cancer, type 5. Identifiers: Orphanet 144, MedGen C1833477, MONDO:0013710, OMIM 614350. Disease mechanism: loss of function.

Allele frequency attached by ClinVar (database versions not stated): gnomAD exomes below 0.00001; TOPMed 0.00001.
gnomAD v4.1: 5 of 1,614,158 alleles (0.00031%); highest among the groups gnomAD compares: Non-Finnish European, 0.00025%; no homozygotes.

Submissions (10):

Labcorp Genetics (formerly Invitae), Labcorp
Classification: Likely benign for Hereditary nonpolyposis colorectal neoplasms. Last evaluated: 2025-10-12. Review status: criteria provided, single submitter. Criteria: Invitae Variant Classification Sherloc (09022015). Collection method: clinical testing. Allele origin: germline.

Myriad Genetics, Inc.
Classification: Benign for Lynch syndrome 5. Last evaluated: 2025-01-07. Review status: criteria provided, single submitter. Criteria: Myriad Autosomal Dominant, Autosomal Recessive and X-Linked Classification Criteria (2023). Collection method: clinical testing. Allele origin: unknown.
Comment: This variant is considered benign. This variant is a silent/synonymous amino acid change and it is not expected to impact splicing.

All of Us Research Program, National Institutes of Health
Classification: Likely benign for Lynch syndrome. Last evaluated: 2023-09-17. Review status: criteria provided, single submitter. Criteria: ACMG Guidelines, 2015. Collection method: clinical testing. Allele origin: germline. Inheritance: Autosomal dominant inheritance. Observed: 4 variant alleles, 4 heterozygotes.
Comment: This study involves interpretation of variants in research participants for the purpose of population health screening. Participant phenotype was not available at the time of variant classification. Additional details can be found in publication PMID: 35346344, PMCID: PMC8962531

Women's Health and Genetics/Laboratory Corporation of America, LabCorp
Classification: Likely benign. Last evaluated: 2022-01-22. Review status: criteria provided, single submitter. Criteria: LabCorp Variant Classification Summary - May 2015. Collection method: clinical testing. Allele origin: germline.

Quest Diagnostics Nichols Institute San Juan Capistrano
Classification: Likely benign. Last evaluated: 2020-05-25. Review status: criteria provided, single submitter. Criteria: Quest Diagnostics criteria. Collection method: clinical testing. Allele origin: unknown.

Illumina Laboratory Services, Illumina
Classification: Uncertain significance for Lynch syndrome 5. Last evaluated: 2018-01-13. Review status: criteria provided, single submitter. Criteria: ICSL Variant Classification Criteria 13 December 2019. Collection method: clinical testing. Allele origin: germline.

Ambry Genetics
Classification: Likely benign for Hereditary cancer-predisposing syndrome. Last evaluated: 2015-10-23. Review status: criteria provided, single submitter. Criteria: Ambry Variant Classification Scheme 2023. Collection method: clinical testing. Allele origin: germline.

Color Diagnostics, LLC DBA Color Health
Classification: Likely benign for Hereditary cancer-predisposing syndrome. Last evaluated: 2015-07-20. Review status: criteria provided, single submitter. Criteria: ACMG Guidelines, 2015. Collection method: clinical testing. Allele origin: germline.

GeneDx
Classification: Benign. Last evaluated: 2015-03-03. Review status: criteria provided, single submitter. Criteria: GeneDx Variant Classification Process June 2021. Collection method: clinical testing. Allele origin: germline. Affected: yes.

PreventionGenetics, part of Exact Sciences
Classification: Likely benign for MSH6-related condition. Last evaluated: 2024-06-21. Review status: no assertion criteria provided. Collection method: clinical testing. Allele origin: germline. Not counted in ClinVar's aggregate classification.
Comment: This variant is classified as likely benign based on ACMG/AMP sequence variant interpretation guidelines (Richards et al. 2015 PMID: 25741868, with internal and published modifications).

NM_000179.3(MSH6):c.3705T>C (p.Leu1235=)

Gene: MSH6 (mutS homolog 6; plus strand). Cytogenetic location: 2p16.3.
Variant type: single nucleotide variant.
Coding change: c.3705T>C on transcript NM_000179.3 (MANE Select); coding-DNA position 3705, T replaced by C.
Protein change: p.Leu1235=; no amino-acid change (leucine 1235 retained).
Molecular consequence: synonymous variant.
Genome position (GRCh38, 1-based): chr2:47,806,262, T>C. VCF-style: chr2-47806262-T-C. GRCh37 (hg19) VCF-style: chr2-48033401-T-C.
Other names: c.3315T>C, p.Leu1105= (NM_001281492.2); c.2799T>C, p.Leu933= (NM_001281493.2, NM_001281494.2).
Identifiers: ClinVar variation 215655 (VCV000215655.28), dbSNP rs545552712, ClinGen allele CA339009.